The following is an entry in ClinVar:

NM_001114753.3(ENG):c.475G>T (p.Ala159Ser)

Gene: ENG (endoglin; minus strand). Cytogenetic location: 9q34.11.
Variant type: single nucleotide variant.
Coding change: c.475G>T on transcript NM_001114753.3 (MANE Select); coding-DNA position 475, G replaced by T.
Protein change: p.Ala159Ser; replaces alanine 159 with serine.
Molecular consequence: missense variant. On other transcripts: 5 prime UTR variant (1).
Genome position (GRCh38, 1-based): chr9:127,826,558, C>A on the plus strand (G>T on the coding strand, the complement: ENG is on the minus strand). VCF-style: chr9-127826558-C-A. GRCh37 (hg19) VCF-style: chr9-130588837-C-A.
Other names: c.475G>T, p.Ala159Ser (NM_000118.4, NM_001406715.1); c.-72G>T (NM_001278138.2); short protein forms A159S.
Identifiers: ClinVar variation 3694130 (VCV003694130.2).
Genomic context (GRCh38, chr9:127,826,558, plus strand): 5'-GGGGAAACTGACCTTGGCCCAGTCGGAGGAGGATGCTCTGGGGGTCATTCAGCTCAGCAG[C>A]AGAGGTGATGGGGCCCCTCTCAGCTGCCCACTCAAGGATCTGGGTCTTGGGGAAGGATGG-3'
Protein context (NP_001108225.1, residues 149-169): WAAERGPITS[Ala159Ser]AELNDPQSIL

ClinVar aggregate classification (germline): Uncertain significance (1 of 4 stars; one submission).

Conditions:
Hereditary hemorrhagic telangiectasia (HHT). Also called: ORW DISEASE; Osler Weber Rendu syndrome; OSLER-RENDU-WEBER DISEASE; Osler hemorrhagic telangiectasia syndrome. Identifiers: Orphanet 774, MedGen C0039445, MONDO:0019180. Disease mechanism: loss of function.

Submission:

Labcorp Genetics (formerly Invitae), Labcorp
Classification: Uncertain significance for Hereditary hemorrhagic telangiectasia. Last evaluated: 2025-07-19. Review status: criteria provided, single submitter. Criteria: Invitae Variant Classification Sherloc (09022015). Collection method: clinical testing. Allele origin: germline.
Comment: This sequence change replaces alanine, which is neutral and non-polar, with serine, which is neutral and polar, at codon 159 of the ENG protein (p.Ala159Ser). This variant is not present in population databases (gnomAD no frequency). This variant has not been reported in the literature in individuals affected with ENG-related conditions. ClinVar contains an entry for this variant (Variation ID: 3694130). Invitae Evidence Modeling of protein sequence and biophysical properties (such as structural, functional, and spatial information, amino acid conservation, physicochemical variation, residue mobility, and thermodynamic stability) indicates that this missense variant is not expected to disrupt ENG protein function with a negative predictive value of 95%. In summary, the available evidence is currently insufficient to determine the role of this variant in disease. Therefore, it has been classified as a Variant of Uncertain Significance.